The following is an entry in ClinVar:

NM_024642.5(GALNT12):c.873T>C (p.Pro291=)

Gene: GALNT12 (polypeptide N-acetylgalactosaminyltransferase 12; plus strand). Cytogenetic location: 9q22.33.
Variant type: single nucleotide variant.
Coding change: c.873T>C on transcript NM_024642.5 (MANE Select); coding-DNA position 873, T replaced by C.
Protein change: p.Pro291=; no amino-acid change (proline 291 retained).
Molecular consequence: synonymous variant.
Genome position (GRCh38, 1-based): chr9:98,831,913, T>C. VCF-style: chr9-98831913-T-C. GRCh37 (hg19) VCF-style: chr9-101594195-T-C.
Identifiers: ClinVar variation 4876189 (VCV004876189.1).

ClinVar aggregate classification (germline): Benign (1 of 4 stars; one submission).

Conditions:
Colorectal cancer, susceptibility to, 1. Also called: COLORECTAL ADENOMA AND CANCER, SUSCEPTIBILITY TO; COLORECTAL CANCER, SUSCEPTIBILITY TO, ON CHROMOSOME 9. Identifiers: MedGen C1837315, MONDO:0012132, OMIM 608812.

gnomAD v4.1: 1 of 1,614,106 alleles (0.000062%); highest among the groups gnomAD compares: Non-Finnish European, 0.000085%; no homozygotes.

Submission:

Myriad Genetics, Inc.
Classification: Benign for Colorectal cancer, susceptibility to, 1. Last evaluated: 2026-04-24. Review status: criteria provided, single submitter. Criteria: Myriad Autosomal Dominant, Autosomal Recessive and X-Linked Classification Criteria (2023). Collection method: clinical testing. Allele origin: unknown.
Comment: This variant is considered benign. This variant is a silent/synonymous amino acid change and it is not expected to impact splicing.